The following is an entry in ClinVar:

ClinVar aggregate classification (germline): Uncertain significance (1 of 4 stars; one submission).

Allele frequency attached by ClinVar (database versions not stated): gnomAD exomes below 0.00001.
gnomAD v4.1: 2 of 1,612,098 alleles (0.00012%); highest among the groups gnomAD compares: African/African-American, 0.0027%; no homozygotes.

Submission:

Ambry Genetics
Classification: Uncertain significance. Last evaluated: 2025-09-26. Review status: criteria provided, single submitter. Criteria: Ambry Variant Classification Scheme 2023. Collection method: clinical testing. Allele origin: germline.
Comment: The p.I200S variant (also known as c.599T>G), located in coding exon 3 of the GALNT12 gene, results from a T to G substitution at nucleotide position 599. The isoleucine at codon 200 is replaced by serine, an amino acid with dissimilar properties. This amino acid position is well conserved in available vertebrate species. In addition, this alteration is predicted to be deleterious by in silico analysis. Since supporting evidence is limited at this time, the clinical significance of this alteration remains unclear.

NM_024642.5(GALNT12):c.599T>G (p.Ile200Ser)

Gene: GALNT12 (polypeptide N-acetylgalactosaminyltransferase 12; plus strand). Cytogenetic location: 9q22.33.
Variant type: single nucleotide variant.
Coding change: c.599T>G on transcript NM_024642.5 (MANE Select); coding-DNA position 599, T replaced by G.
Protein change: p.Ile200Ser; replaces isoleucine 200 with serine.
Molecular consequence: missense variant.
Genome position (GRCh38, 1-based): chr9:98,826,809, T>G. VCF-style: chr9-98826809-T-G. GRCh37 (hg19) VCF-style: chr9-101589091-T-G.
Other names: short protein forms I200S.
Identifiers: ClinVar variation 1750946 (VCV001750946.3), dbSNP rs1219366741, ClinGen allele CA374217459.